The following is an entry in ClinVar:

ClinVar aggregate classification (germline): Uncertain significance. Review status: criteria provided, multiple submitters, no conflicts (2 of 4 stars). 3 submissions from 3 submitters: Uncertain significance (3). Last evaluated 2024-10-12.

Conditions:
Familial cold autoinflammatory syndrome 3 (FCAS3). Also called: FAMILIAL ATYPICAL COLD URTICARIA; ANTIBODY DEFICIENCY AND IMMUNE DYSREGULATION, PLCG2-ASSOCIATED. Identifiers: Orphanet 300359, MedGen C3280914, MONDO:0013766, OMIM 614468.
Autoinflammation-PLCG2-associated antibody deficiency-immune dysregulation. Also called: AUTOINFLAMMATION, ANTIBODY DEFICIENCY, AND IMMUNE DYSREGULATION; Autoinflammation, antibody deficiency, and immune dysregulation, plcg2-associated; Autoinflammation, antibody deficiency, and immune dysregulation syndrome. Identifiers: Orphanet 324530, MedGen C3553961, MONDO:0013944, OMIM 614878.

Allele frequency attached by ClinVar (database versions not stated): gnomAD exomes below 0.00001 and 0.00001; ExAC 0.00001.
gnomAD v4.1: 2 of 1,610,344 alleles (0.00012%); highest among the groups gnomAD compares: Non-Finnish European, 0.000085%; no homozygotes.

Submissions (3):

Labcorp Genetics (formerly Invitae), Labcorp
Classification: Uncertain significance for Familial cold autoinflammatory syndrome 3. Last evaluated: 2024-10-12. Review status: criteria provided, single submitter. Criteria: Invitae Variant Classification Sherloc (09022015). Collection method: clinical testing. Allele origin: germline.
Comment: This sequence change replaces arginine, which is basic and polar, with cysteine, which is neutral and slightly polar, at codon 1071 of the PLCG2 protein (p.Arg1071Cys). This variant is present in population databases (rs758678624, gnomAD 0.006%). This variant has not been reported in the literature in individuals affected with PLCG2-related conditions. ClinVar contains an entry for this variant (Variation ID: 1175891). An algorithm developed to predict the effect of missense changes on protein structure and function (PolyPhen-2) suggests that this variant is likely to be disruptive. In summary, the available evidence is currently insufficient to determine the role of this variant in disease. Therefore, it has been classified as a Variant of Uncertain Significance.

AiLife Diagnostics
Classification: Uncertain significance. Last evaluated: 2022-03-29. Review status: criteria provided, single submitter. Criteria: ACMG Guidelines, 2015. Collection method: clinical testing. Allele origin: germline. Affected: yes. Observed: 1 variant allele.

CeGaT Center for Human Genetics Tuebingen
Classification: Uncertain significance. Last evaluated: 2021-06-01. Review status: criteria provided, single submitter. Criteria: CeGaT Center For Human Genetics Tuebingen Variant Classification Criteria Version 2. Collection method: clinical testing. Allele origin: germline. Affected: yes. Observed: 1 variant allele.

NM_002661.5(PLCG2):c.3211C>T (p.Arg1071Cys)

Gene: PLCG2 (phospholipase C gamma 2; plus strand). Cytogenetic location: 16q23.3.
Variant type: single nucleotide variant.
Coding change: c.3211C>T on transcript NM_002661.5 (MANE Select); coding-DNA position 3211, C replaced by T.
Protein change: p.Arg1071Cys; replaces arginine 1071 with cysteine.
Molecular consequence: missense variant.
Genome position (GRCh38, 1-based): chr16:81,938,813, C>T. VCF-style: chr16-81938813-C-T. GRCh37 (hg19) VCF-style: chr16-81972418-C-T.
Other names: c.3211C>T (NM_002661.4); short protein forms R1071C.
Identifiers: ClinVar variation 1175891 (VCV001175891.43), dbSNP rs758678624, ClinGen allele CA8194641.